The following is an entry in ClinVar:

ClinVar aggregate classification (germline): Pathogenic (1 of 4 stars; one submission).

Conditions:
Joubert syndrome. Also called: CEREBELLOPARENCHYMAL DISORDER IV; JOUBERT-BOLTSHAUSER SYNDROME; Familial aplasia of the vermis. Identifiers: Orphanet 475, MedGen C5979921, MONDO:0018772.
Nephronophthisis. Also called: Juvenile Nephronophthisis. Identifiers: Orphanet 655, MedGen C0687120, MONDO:0019005, HP:0000090.
Meckel-Gruber syndrome. Also called: DYSENCEPHALIA SPLANCHNOCYSTICA; GRUBER SYNDROME; Dysencephalia splachnocystica. Identifiers: Orphanet 564, MedGen C0265215, MONDO:0018921.

Submission:

Labcorp Genetics (formerly Invitae), Labcorp
Classification: Pathogenic for Joubert syndrome; Meckel-Gruber syndrome; Nephronophthisis. Last evaluated: 2023-04-13. Review status: criteria provided, single submitter. Criteria: Invitae Variant Classification Sherloc (09022015). Collection method: clinical testing. Allele origin: germline.
Comment: This sequence change creates a premature translational stop signal (p.Asp2053Ilefs*13) in the CEP290 gene. It is expected to result in an absent or disrupted protein product. Loss-of-function variants in CEP290 are known to be pathogenic (PMID: 16909394, 17345604, 20690115). This variant is not present in population databases (gnomAD no frequency). This variant has not been reported in the literature in individuals affected with CEP290-related conditions. For these reasons, this variant has been classified as Pathogenic.

Literature cited by the submitters: PubMed 16909394; PubMed 17345604; PubMed 20690115.

NM_025114.4(CEP290):c.6156_6159del (p.Asp2053fs)

Gene: CEP290 (centrosomal protein 290; minus strand). Cytogenetic location: 12q21.32.
Variant type: Deletion.
Coding change: c.6156_6159del on transcript NM_025114.4 (MANE Select); coding-DNA positions 6156 to 6159, 4 bases deleted (TGAT; older notation c.6156_6159delTGAT).
Protein change: p.Asp2053fs; shifts the reading frame from aspartic acid 2053.
Molecular consequence: frameshift variant.
Genome position (GRCh38, 1-based): chr12:88,064,092-88,064,095, ATCA deleted on the plus strand (TGAT on the coding strand, the reverse complement: CEP290 is on the minus strand). VCF-style (leftmost placement, unchanged base first): chr12-88064091-GATCA-G. GRCh37 (hg19) VCF-style: chr12-88457868-GATCA-G.
Other names: short protein forms D2053fs.
Identifiers: ClinVar variation 2946680 (VCV002946680.3), dbSNP rs2499620281, ClinGen allele CA2740092447.